The following is an entry in ClinVar:

NM_014874.4(MFN2):c.647T>C (p.Phe216Ser)

Gene: MFN2 (mitofusin 2; plus strand). Cytogenetic location: 1p36.22.
Variant type: single nucleotide variant.
Coding change: c.647T>C on transcript NM_014874.4 (MANE Select); coding-DNA position 647, T replaced by C.
Protein change: p.Phe216Ser; replaces phenylalanine 216 with serine.
Molecular consequence: missense variant.
Genome position (GRCh38, 1-based): chr1:11,998,817, T>C. VCF-style: chr1-11998817-T-C. GRCh37 (hg19) VCF-style: chr1-12058874-T-C.
Other names: c.647T>C, p.Phe216Ser (NM_001127660.2); short protein forms F216S.
Identifiers: ClinVar variation 30736 (VCV000030736.13), dbSNP rs387906990, ClinGen allele CA129420.
Genomic context (GRCh38, chr1:11,998,817, plus strand): 5'-CTGTCACCTTTAGCCCTGGTATTGATGTCACCACAGAGCTGGACAGCTGGATTGACAAGT[T>C]TTGTCTGGATGCTGATGTGTTTGTGCTGGTGGCCAACTCAGAGTCCACCCTGATGCAGAC-3'
Protein context (NP_055689.1, residues 206-226): TTELDSWIDK[Phe216Ser]CLDADVFVLV

ClinVar aggregate classification (germline): Pathogenic/Likely pathogenic. Review status: criteria provided, multiple submitters, no conflicts (2 of 4 stars). 7 submissions from 7 submitters: Pathogenic (5); Likely pathogenic (1). 1 of the submissions does not count toward it. Last evaluated 2026-02-01.

Conditions:
Charcot-Marie-Tooth disease, axonal, autosomal recessive, type 2a2b;. Also called: Charcot-Marie-Tooth disease, axonal, type 2A2B; Charcot-Marie-Tooth disease, axonal, autosomal recessive, type 2A2B. Identifiers: MedGen C4310725, MONDO:0014906, OMIM 617087.
MFN2-related disorder. Also called: MFN2-related condition; MFN2-related disorders.
Charcot-Marie-Tooth disease type 2. Also called: Charcot-Marie-Tooth type 2. Identifiers: Orphanet 64746, MedGen C0270914, MONDO:0018993.

Allele frequency attached by ClinVar (database versions not stated): gnomAD exomes below 0.00001 and 0.00002; ExAC 0.00001; gnomAD 0.00004; TOPMed 0.00005.
gnomAD v4.1: 41 of 1,614,024 alleles (0.0025%); highest among the groups gnomAD compares: Non-Finnish European, 0.0031%; no homozygotes.

Submissions (7):

CeGaT Center for Human Genetics Tuebingen
Classification: Pathogenic. Last evaluated: 2026-02-01. Review status: criteria provided, single submitter. Criteria: CeGaT Center For Human Genetics Tuebingen Variant Classification Criteria Version 2. Collection method: clinical testing. Allele origin: germline. Affected: yes. Observed: 1 variant allele.
Comment: MFN2: PM3:Strong, PM1, PM2, PP2, PP3

PreventionGenetics, part of Exact Sciences
Classification: Pathogenic for MFN2-related condition. Last evaluated: 2025-08-21. Review status: criteria provided, single submitter. Criteria: ACMG Guidelines, 2015. Collection method: clinical testing. Allele origin: germline.
Comment: The MFN2 c.647T>C variant is predicted to result in the amino acid substitution p.Phe216Ser. This variant has been reported in both the homozygous state and compound heterozygous state with a multi-exon deletion in MFN2 in individuals with early-onset Charcot-Marie-Tooth disease (Vallat et al. 2008. PubMed ID: 18957892; Polke et al. 2011. PubMed ID: 21715711). This variant is reported in 0.0023% of alleles in individuals of European (Non-Finnish) descent in gnomAD, and is consistently classified as pathogenic in the ClinVar database (Variation ID: 30736). This variant is interpreted as pathogenic for autosomal recessive disease.

Labcorp Genetics (formerly Invitae), Labcorp
Classification: Pathogenic for Charcot-Marie-Tooth disease type 2. Last evaluated: 2025-04-16. Review status: criteria provided, single submitter. Criteria: Invitae Variant Classification Sherloc (09022015). Collection method: clinical testing. Allele origin: germline.
Comment: This sequence change replaces phenylalanine, which is neutral and non-polar, with serine, which is neutral and polar, at codon 216 of the MFN2 protein (p.Phe216Ser). This variant is present in population databases (rs387906990, gnomAD 0.002%). This missense change has been observed in individual(s) with Charcot-Marie-Tooth disease (PMID: 18957892, 21715711, 23147504, 26114802). In at least one individual the data is consistent with being in trans (on the opposite chromosome) from a pathogenic variant. It has also been observed to segregate with disease in related individuals. ClinVar contains an entry for this variant (Variation ID: 30736). Invitae Evidence Modeling of protein sequence and biophysical properties (such as structural, functional, and spatial information, amino acid conservation, physicochemical variation, residue mobility, and thermodynamic stability) indicates that this missense variant is expected to disrupt MFN2 protein function with a positive predictive value of 95%. For these reasons, this variant has been classified as Pathogenic.

Blueprint Genetics
Classification: Likely pathogenic for MFN2-related disorders. Last evaluated: 2024-08-09. Review status: criteria provided, single submitter. Criteria: ACMG Guidelines, 2015. Collection method: clinical testing. Allele origin: germline. Affected: yes. Observed: 1 variant allele.

Center for Pediatric Genomic Medicine, Children's Mercy Hospital and Clinics
Classification: Pathogenic. Last evaluated: 2017-02-22. Review status: criteria provided, single submitter. Criteria: ACMG Guidelines, 2015. Collection method: clinical testing. Allele origin: germline.

GeneDx
Classification: Pathogenic. Last evaluated: 2015-05-18. Review status: criteria provided, single submitter. Criteria: GeneDx Variant Classification (06012015). Collection method: clinical testing. Allele origin: germline. Affected: yes.
Comment: The F216S variant has been previously reported as a homozygous variant in a patient with early onset hereditary motor and sensory neuropathy; the parents were unaffected carriers of the F216S variant, suggesting autosomal recessive inheritance (Vallat et al., 2008). F216S was subsequently reported in two siblings with early onset CMT2 who both had a second MFN2 variant on the opposite allele; the mother was an unaffected carrier of the F216S variant (Polke et al., 2011). F216S was not observed in approximately 6,500 individuals of European and African American ancestry in the NHLBI Exome Sequencing Project, indicating it is not a common benign variant in these populations. It is a non-conservative amino acid substitution that occurs at a highly conserved position in the protein. Missense variant in nearby residues (T206I, I213T, D214N, F223L) have been reported in the Human Gene Mutation Database in association with neuropathy (Stenson et al., 2014), supporting the functional importance of this region of the protein.

OMIM
Classification: Pathogenic for CHARCOT-MARIE-TOOTH DISEASE, AXONAL, TYPE 2A2B, AUTOSOMAL RECESSIVE. Last evaluated: 2011-07-12. Review status: no assertion criteria provided. Collection method: literature only. Allele origin: germline. Not counted in ClinVar's aggregate classification.

Literature cited by the submitters: PubMed 18957892 (cited by Labcorp Genetics (formerly Invitae), Labcorp); PubMed 21715711 (cited by Labcorp Genetics (formerly Invitae), Labcorp and OMIM); PubMed 23147504 (cited by Labcorp Genetics (formerly Invitae), Labcorp); PubMed 26114802 (cited by Labcorp Genetics (formerly Invitae), Labcorp).